The following is an entry in ClinVar:

ClinVar aggregate classification (germline): Uncertain significance (1 of 4 stars; one submission).

Conditions:
Cornelia de Lange syndrome 4 (CDLS4). Also called: RAD21-Related Cornelia de Lange Syndrome; CORNELIA DE LANGE SYNDROME 4 WITH OR WITHOUT MIDLINE BRAIN DEFECTS. Identifiers: Orphanet 199, MedGen C3553517, MONDO:0013864, OMIM 614701.

Allele frequency attached by ClinVar (database versions not stated): gnomAD exomes below 0.00001; ExAC 0.00001; ESP Exome Variant Server 0.00008.
gnomAD v4.1: 1 of 1,613,394 alleles (0.000062%); highest among the groups gnomAD compares: Non-Finnish European, 0.000085%; no homozygotes.

Submission:

Labcorp Genetics (formerly Invitae), Labcorp
Classification: Uncertain significance for Cornelia de Lange syndrome 4. Last evaluated: 2022-06-04. Review status: criteria provided, single submitter. Criteria: Invitae Variant Classification Sherloc (09022015). Collection method: clinical testing. Allele origin: germline.
Comment: The frequency data for this variant in the population databases is considered unreliable, as metrics indicate poor data quality at this position in the gnomAD database. In summary, the available evidence is currently insufficient to determine the role of this variant in disease. Therefore, it has been classified as a Variant of Uncertain Significance. Algorithms developed to predict the effect of missense changes on protein structure and function are either unavailable or do not agree on the potential impact of this missense change (SIFT: "Deleterious"; PolyPhen-2: "Possibly Damaging"; Align-GVGD: "Class C0"). This variant has not been reported in the literature in individuals affected with RAD21-related conditions. This sequence change replaces alanine, which is neutral and non-polar, with valine, which is neutral and non-polar, at codon 576 of the RAD21 protein (p.Ala576Val).

NM_006265.3(RAD21):c.1727C>T (p.Ala576Val)

Gene: RAD21 (RAD21 cohesin complex component; minus strand). Cytogenetic location: 8q24.11.
Variant type: single nucleotide variant.
Coding change: c.1727C>T on transcript NM_006265.3 (MANE Select); coding-DNA position 1727, C replaced by T.
Protein change: p.Ala576Val; replaces alanine 576 with valine.
Molecular consequence: missense variant.
Genome position (GRCh38, 1-based): chr8:116,847,669, G>A on the plus strand (C>T on the coding strand, the complement: RAD21 is on the minus strand). VCF-style: chr8-116847669-G-A. GRCh37 (hg19) VCF-style: chr8-117859908-G-A.
Other names: short protein forms A576V.
Identifiers: ClinVar variation 2086083 (VCV002086083.4), dbSNP rs371687174, ClinGen allele CA4852689.